The following is an entry in ClinVar:

NM_201384.3(PLEC):c.3251A>G (p.Tyr1084Cys)

Gene: PLEC (plectin; minus strand). Cytogenetic location: 8q24.3.
Variant type: single nucleotide variant.
Coding change: c.3251A>G on transcript NM_201384.3 (MANE Select); coding-DNA position 3251, A replaced by G.
Protein change: p.Tyr1084Cys; replaces tyrosine 1084 with cysteine.
Molecular consequence: missense variant.
Genome position (GRCh38, 1-based): chr8:143,929,112, T>C on the plus strand (A>G on the coding strand, the complement: PLEC is on the minus strand). VCF-style: chr8-143929112-T-C. GRCh37 (hg19) VCF-style: chr8-145003280-T-C.
Other names: c.3332A>G, p.Tyr1111Cys (NM_000445.5); c.3209A>G, p.Tyr1070Cys (NM_201378.4); c.3185A>G, p.Tyr1062Cys (NM_201379.3); c.3662A>G, p.Tyr1221Cys (NM_201380.4); c.3155A>G, p.Tyr1052Cys (NM_201381.3); c.3251A>G, p.Tyr1084Cys (NM_201382.4); c.3263A>G, p.Tyr1088Cys (NM_201383.3); short protein forms Y1221C, Y1052C, Y1062C, Y1070C, Y1084C, Y1088C, Y1111C.
Identifiers: ClinVar variation 851354 (VCV000851354.7), dbSNP rs1826244056, ClinGen allele CA372568481.

ClinVar aggregate classification (germline): Uncertain significance (1 of 4 stars; one submission).

Conditions:
Autosomal recessive limb-girdle muscular dystrophy type 2Q (LGMDR17). Also called: MUSCULAR DYSTROPHY, LIMB-GIRDLE, AUTOSOMAL RECESSIVE 17. Identifiers: Orphanet 254361, MedGen C3150989, MONDO:0013390, OMIM 613723.
Epidermolysis bullosa simplex 5B, with muscular dystrophy (EBS5B). Also called: Epidermolysis bullosa simplex with muscular dystrophy; EPIDERMOLYSIS BULLOSA SIMPLEX AND LIMB-GIRDLE MUSCULAR DYSTROPHY. Identifiers: Orphanet 257, MedGen C2931072, MONDO:0009181, OMIM 226670.
Epidermolysis bullosa simplex, Ogna type (EBS5A). Also called: Pidermolysis bullosa simplex 5A, Ogna type; EPIDERMOLYSIS BULLOSA SIMPLEX 5A, OGNA TYPE. Identifiers: Orphanet 79401, MedGen C0432317, MONDO:0007555, OMIM 131950.
Epidermolysis bullosa simplex 5C, with pyloric atresia (EBS5C). Also called: PLEC1-Related Epidermolysis Bullosa with Pyloric Atresia; Epidermolysis bullosa simplex with pyloric atresia; PLEC-Related Epidermolysis Bullosa with Pyloric Atresia. Identifiers: Orphanet 158684, MedGen C2677349, MONDO:0012807, OMIM 612138.
Epidermolysis bullosa simplex with nail dystrophy (EBS5D). Identifiers: MedGen C4225309, MONDO:0014661, OMIM 616487.

Submission:

Labcorp Genetics (formerly Invitae), Labcorp
Classification: Uncertain significance for Autosomal recessive limb-girdle muscular dystrophy type 2Q; Epidermolysis bullosa simplex, Ogna type; Epidermolysis bullosa simplex with nail dystrophy; Epidermolysis bullosa simplex 5C, with pyloric atresia; Epidermolysis bullosa simplex 5B, with muscular dystrophy. Last evaluated: 2024-02-17. Review status: criteria provided, single submitter. Criteria: Invitae Variant Classification Sherloc (09022015). Collection method: clinical testing. Allele origin: germline.
Comment: This sequence change replaces tyrosine, which is neutral and polar, with cysteine, which is neutral and slightly polar, at codon 1111 of the PLEC protein (p.Tyr1111Cys). This variant is not present in population databases (gnomAD no frequency). This variant has not been reported in the literature in individuals affected with PLEC-related conditions. ClinVar contains an entry for this variant (Variation ID: 851354). Advanced modeling of protein sequence and biophysical properties (such as structural, functional, and spatial information, amino acid conservation, physicochemical variation, residue mobility, and thermodynamic stability) performed at Invitae indicates that this missense variant is not expected to disrupt PLEC protein function with a negative predictive value of 80%. In summary, the available evidence is currently insufficient to determine the role of this variant in disease. Therefore, it has been classified as a Variant of Uncertain Significance.